The following is an entry in ClinVar:

NM_001130823.3(DNMT1):c.570-7G>A

Gene: DNMT1 (DNA methyltransferase 1; minus strand). Cytogenetic location: 19p13.2.
Variant type: single nucleotide variant.
Coding change: c.570-7G>A on transcript NM_001130823.3 (MANE Select); 7 bases into the intron before coding-DNA position 570, G replaced by A.
Molecular consequence: intron variant.
Genome position (GRCh38, 1-based): chr19:10,175,625, C>T on the plus strand (G>A on the coding strand, the complement: DNMT1 is on the minus strand). VCF-style: chr19-10175625-C-T. GRCh37 (hg19) VCF-style: chr19-10286301-C-T.
Other names: c.207-7G>A (NM_001318731.2); c.522-7G>A (NM_001379.4, NM_001318730.2).
Identifiers: ClinVar variation 1302313 (VCV001302313.2), dbSNP rs2145365826, ClinGen allele CA2573054693.

ClinVar aggregate classification (germline): Uncertain significance (1 of 4 stars; one submission).

Allele frequency attached by ClinVar (database versions not stated): gnomAD exomes below 0.00001.
gnomAD v4.1: 1 of 1,614,064 alleles (0.000062%); highest among the groups gnomAD compares: Non-Finnish European, 0.000085%; no homozygotes.

Submission:

GeneDx
Classification: Uncertain significance. Last evaluated: 2019-05-13. Review status: criteria provided, single submitter. Criteria: GeneDx Variant Classification Process June 2021. Collection method: clinical testing. Allele origin: germline. Affected: yes.
Comment: Not observed in large population cohorts (Lek et al., 2016); Has not been previously published as pathogenic or benign to our knowledge; In-silico analysis, which includes splice predictors and evolutionary conservation, is inconclusive as to whether the variant alters gene splicing. In the absence of RNA/functional studies, the actual effect of this sequence change is unknown